The following is an entry in ClinVar:

NM_001378183.1(PIEZO2):c.3261G>C (p.Leu1087=)

Gene: PIEZO2 (piezo type mechanosensitive ion channel component 2; minus strand). Cytogenetic location: 18p11.22.
Variant type: single nucleotide variant.
Coding change: c.3261G>C on transcript NM_001378183.1 (MANE Select); coding-DNA position 3261, G replaced by C.
Protein change: p.Leu1087=; no amino-acid change (leucine 1087 retained).
Molecular consequence: synonymous variant.
Genome position (GRCh38, 1-based): chr18:10,761,100, C>G on the plus strand (G>C on the coding strand, the complement: PIEZO2 is on the minus strand). VCF-style: chr18-10761100-C-G. GRCh37 (hg19) VCF-style: chr18-10761098-C-G.
Other names: c.3261G>C, p.Leu1087= (NM_001410871.1); c.3186G>C, p.Leu1062= (NM_022068.4).
Identifiers: ClinVar variation 2648587 (VCV002648587.24), dbSNP rs866552884, ClinGen allele CA296031565.
Genomic context (GRCh38, chr18:10,761,100, plus strand): 5'-ACCTCGATAGTATTCCTGATGGCGGTAAATGGTGACTTCAAAGGCCAGGATAGCCAGCAT[C>G]AGGAGGTTATTCTACAAAGCAAGGAAACACAAATGTGTCAGCCAGAGGCTTTATGATTTG-3'
Protein context (NP_001365112.1, residues 1077-1097): PLLVYLRNNL[Leu1087=]MLAILAFEVT

ClinVar aggregate classification (germline): Likely benign (1 of 4 stars; one submission).

gnomAD v4.1: 9 of 1,537,096 alleles (0.00059%); highest among the groups gnomAD compares: South Asian, 0.0083%; no homozygotes.

Submission:

CeGaT Center for Human Genetics Tuebingen
Classification: Likely benign. Last evaluated: 2022-07-01. Review status: criteria provided, single submitter. Criteria: CeGaT Center For Human Genetics Tuebingen Variant Classification Criteria Version 2. Collection method: clinical testing. Allele origin: germline. Affected: yes. Observed: 1 variant allele.
Comment: PIEZO2: BP4, BP7